The following is an entry in ClinVar:

ClinVar aggregate classification (germline): Pathogenic. Review status: criteria provided, multiple submitters, no conflicts (2 of 4 stars). 3 submissions from 3 submitters: Pathogenic (3). Last evaluated 2022-12-16.

Conditions:
Duchenne muscular dystrophy (DMD). Also called: Duchenne Muscular Dystrophy (DMD); MUSCULAR DYSTROPHY, PSEUDOHYPERTROPHIC PROGRESSIVE, DUCHENNE TYPE. Identifiers: Orphanet 98896, MedGen C0013264, MONDO:0010679, OMIM 310200.

Submissions (3):

Laboratory of Medical Genetics, National & Kapodistrian University of Athens
Classification: Pathogenic for Duchenne muscular dystrophy. Last evaluated: 2022-12-16. Review status: criteria provided, single submitter. Criteria: ACMG Guidelines, 2015. Collection method: clinical testing. Allele origin: germline. Affected: yes.
Comment: PVS1, PM2, PP5

Revvity Omics, Revvity
Classification: Pathogenic. Last evaluated: 2022-11-22. Review status: criteria provided, single submitter. Criteria: ACMG Guidelines, 2015. Collection method: clinical testing. Allele origin: germline.

Labcorp Genetics (formerly Invitae), Labcorp
Classification: Pathogenic for Duchenne muscular dystrophy. Last evaluated: 2022-03-23. Review status: criteria provided, single submitter. Criteria: Invitae Variant Classification Sherloc (09022015). Collection method: clinical testing. Allele origin: germline.
Comment: This sequence change affects a donor splice site in intron 22 of the DMD gene. It is expected to disrupt RNA splicing. Variants that disrupt the donor or acceptor splice site typically lead to a loss of protein function (PMID: 16199547), and loss-of-function variants in DMD are known to be pathogenic (PMID: 16770791, 25007885). ClinVar contains an entry for this variant (Variation ID: 526061). Disruption of this splice site has been observed in individuals with Duchenne muscular dystrophy (PMID: 19760747). This variant is not present in population databases (gnomAD no frequency). For these reasons, this variant has been classified as Pathogenic. Algorithms developed to predict the effect of sequence changes on RNA splicing suggest that this variant may disrupt the consensus splice site.

Literature cited by the submitters: PubMed 32528171 (cited by Laboratory of Medical Genetics, National & Kapodistrian University of Athens); PubMed 16199547 (cited by Labcorp Genetics (formerly Invitae), Labcorp); PubMed 16770791 (cited by Labcorp Genetics (formerly Invitae), Labcorp); PubMed 25007885 (cited by Labcorp Genetics (formerly Invitae), Labcorp); PubMed 19760747 (cited by Labcorp Genetics (formerly Invitae), Labcorp).

NM_004006.3(DMD):c.2949+1G>A

Gene: DMD (dystrophin; minus strand). Cytogenetic location: Xp21.1.
Variant type: single nucleotide variant.
Coding change: c.2949+1G>A on transcript NM_004006.3 (MANE Select); the canonical splice donor site of the intron after coding-DNA position 2949, G replaced by A.
Molecular consequence: splice donor variant.
Genome position (GRCh38, 1-based): chrX:32,472,163, C>T on the plus strand (G>A on the coding strand, the complement: DMD is on the minus strand). VCF-style: chrX-32472163-C-T. GRCh37 (hg19) VCF-style: chrX-32490280-C-T.
Other names: c.2925+1G>A (NM_000109.4); c.2937+1G>A (NM_004009.3); c.2580+1G>A (NM_004010.3).
Identifiers: ClinVar variation 526061 (VCV000526061.14), dbSNP rs1557374482, ClinGen allele CA412667693.